The following is an entry in ClinVar:

ClinVar aggregate classification (germline): Uncertain significance (1 of 4 stars; one submission).

Conditions:
GLUT1 deficiency syndrome 1, autosomal recessive. Identifiers: MedGen C3149117.

Submission:

Labcorp Genetics (formerly Invitae), Labcorp
Classification: Uncertain significance for GLUT1 deficiency syndrome 1, autosomal recessive. Last evaluated: 2021-02-08. Review status: criteria provided, single submitter. Criteria: Invitae Variant Classification Sherloc (09022015). Collection method: clinical testing. Allele origin: germline.
Comment: This variant has not been reported in the literature in individuals with SLC2A1-related conditions. This variant is not present in population databases (ExAC no frequency). This sequence change replaces tryptophan with glycine at codon 48 of the SLC2A1 protein (p.Trp48Gly). The tryptophan residue is highly conserved and there is a large physicochemical difference between tryptophan and glycine. Advanced modeling of protein sequence and biophysical properties (such as structural, functional, and spatial information, amino acid conservation, physicochemical variation, residue mobility, and thermodynamic stability) performed at Invitae indicates that this missense variant is expected to disrupt SLC2A1 protein function. In summary, the available evidence is currently insufficient to determine the role of this variant in disease. Therefore, it has been classified as a Variant of Uncertain Significance.

NM_006516.4(SLC2A1):c.142T>G (p.Trp48Gly)

Gene: SLC2A1 (solute carrier family 2 member 1; minus strand). Cytogenetic location: 1p34.2.
Variant type: single nucleotide variant.
Coding change: c.142T>G on transcript NM_006516.4 (MANE Select); coding-DNA position 142, T replaced by G.
Protein change: p.Trp48Gly; replaces tryptophan 48 with glycine.
Molecular consequence: missense variant.
Genome position (GRCh38, 1-based): chr1:42,931,179, A>C on the plus strand (T>G on the coding strand, the complement: SLC2A1 is on the minus strand). VCF-style: chr1-42931179-A-C. GRCh37 (hg19) VCF-style: chr1-43396850-A-C.
Other names: short protein forms W48G.
Identifiers: ClinVar variation 1461852 (VCV001461852.8), dbSNP rs2124450904, ClinGen allele CA339962489.